The following is an entry in ClinVar:

ClinVar aggregate classification (germline): Uncertain significance (1 of 4 stars; one submission).

Conditions:
46,XY sex reversal 9 (SRXY9). Also called: 46,XY SEX REVERSAL, ZFPM2-RELATED. Identifiers: Orphanet 251510, MedGen C4015129, MONDO:0014480, OMIM 616067.

gnomAD v4.1: 24 of 1,613,784 alleles (0.0015%); highest among the groups gnomAD compares: Non-Finnish European, 0.0015%; no homozygotes.

Submission:

Labcorp Genetics (formerly Invitae), Labcorp
Classification: Uncertain significance for 46,XY sex reversal 9. Last evaluated: 2024-08-28. Review status: criteria provided, single submitter. Criteria: Invitae Variant Classification Sherloc (09022015). Collection method: clinical testing. Allele origin: germline.
Comment: This sequence change replaces proline, which is neutral and non-polar, with serine, which is neutral and polar, at codon 493 of the ZFPM2 protein (p.Pro493Ser). This variant is present in population databases (rs368181677, gnomAD 0.0009%). This missense change has been observed in individual(s) with atrioventricular septal defect (PMID: 25996639). This variant is also known as p.Pro361Ser. An algorithm developed to predict the effect of missense changes on protein structure and function outputs the following: PolyPhen-2: "Benign". The serine amino acid residue is found in multiple mammalian species, which suggests that this missense change does not adversely affect protein function. In summary, the available evidence is currently insufficient to determine the role of this variant in disease. Therefore, it has been classified as a Variant of Uncertain Significance.

Literature cited by the submitters: PubMed 25996639.

NM_012082.4(ZFPM2):c.1477C>T (p.Pro493Ser)

Genes: ZFPM2 (zinc finger protein, FOG family member 2; plus strand), ZFPM2-AS1 (ZFPM2 antisense RNA 1; minus strand). Cytogenetic location: 8q23.1.
Variant type: single nucleotide variant.
Coding change: c.1477C>T on transcript NM_012082.4 (MANE Select); coding-DNA position 1477, C replaced by T.
Protein change: p.Pro493Ser; replaces proline 493 with serine.
Molecular consequence: missense variant.
Genome position (GRCh38, 1-based): chr8:105,801,559, C>T. VCF-style: chr8-105801559-C-T. GRCh37 (hg19) VCF-style: chr8-106813787-C-T.
Other names: c.1318C>T, p.Pro440Ser (NM_001362836.2); c.1081C>T, p.Pro361Ser (NM_001362837.2); short protein forms P440S, P493S, P361S.
Identifiers: ClinVar variation 3670391 (VCV003670391.2).
Genomic context (GRCh38, chr8:105,801,559, plus strand): 5'-GAGCCCTCTAGCCCAAGACTTGCCTCATCTCCAGTTCAGCCTAATATTGGGCCTTCTTTC[C>T]CTGTGGGCCCTTTCCTATCTCAGTTTTCTTTCCCCCAAGATATCACCATGGTCCCTCAAG-3'
Protein context (NP_036214.2, residues 483-503): PVQPNIGPSF[Pro493Ser]VGPFLSQFSF